The following is an entry in ClinVar:

NM_001271.4(CHD2):c.3917del (p.Gln1306fs)

Gene: CHD2 (chromodomain helicase DNA binding protein 2; plus strand). Cytogenetic location: 15q26.1.
Variant type: Deletion.
Coding change: c.3917del on transcript NM_001271.4 (MANE Select); coding-DNA position 3917, one base deleted (A; older notation c.3917delA).
Protein change: p.Gln1306fs; shifts the reading frame from glutamine 1306.
Molecular consequence: frameshift variant.
Genome position (GRCh38, 1-based): chr15:92,998,530, A deleted. VCF-style (leftmost placement, unchanged base first): chr15-92998529-CA-C. GRCh37 (hg19) VCF-style: chr15-93541759-CA-C.
Other names: short protein forms Q1306fs.
Identifiers: ClinVar variation 3645156 (VCV003645156.2).

ClinVar aggregate classification (germline): Pathogenic (1 of 4 stars; one submission).

Conditions:
Developmental and epileptic encephalopathy 94 (DEE94). Also called: Epileptic encephalopathy, childhood-onset; CHD2-Related Neurodevelopmental Disorders. Identifiers: Orphanet 1942, Orphanet 2382, MedGen C3809278, MONDO:0014150, OMIM 615369.

Submission:

Labcorp Genetics (formerly Invitae), Labcorp
Classification: Pathogenic for Developmental and epileptic encephalopathy 94. Last evaluated: 2024-03-09. Review status: criteria provided, single submitter. Criteria: Invitae Variant Classification Sherloc (09022015). Collection method: clinical testing. Allele origin: germline.
Comment: This sequence change creates a premature translational stop signal (p.Gln1306Argfs*13) in the CHD2 gene. It is expected to result in an absent or disrupted protein product. Loss-of-function variants in CHD2 are known to be pathogenic (PMID: 23708187, 24207121). This variant is not present in population databases (gnomAD no frequency). This variant has not been reported in the literature in individuals affected with CHD2-related conditions. For these reasons, this variant has been classified as Pathogenic.

Literature cited by the submitters: PubMed 23708187; PubMed 24207121.